The following is an entry in ClinVar:

ClinVar aggregate classification (germline): Uncertain significance. Review status: criteria provided, multiple submitters, no conflicts (2 of 4 stars). 2 submissions from 2 submitters: Uncertain significance (2). Last evaluated 2024-06-04.

Conditions:
Hereditary cancer-predisposing syndrome. Also called: Neoplastic Syndromes, Hereditary; Tumor predisposition; Hereditary neoplastic syndrome; Hereditary Cancer Syndrome. Identifiers: Orphanet 140162, MedGen C0027672, MeSH D009386, MONDO:0015356.
Hereditary diffuse gastric adenocarcinoma (HDGC). Also called: DIFFUSE GASTRIC AND LOBULAR BREAST CANCER SYNDROME. Identifiers: Orphanet 26106, MedGen C1708349, MONDO:0007648, OMIM 137215.

Submissions (2):

Labcorp Genetics (formerly Invitae), Labcorp
Classification: Uncertain significance for Hereditary diffuse gastric adenocarcinoma. Last evaluated: 2024-06-04. Review status: criteria provided, single submitter. Criteria: Invitae Variant Classification Sherloc (09022015). Collection method: clinical testing. Allele origin: germline.
Comment: This sequence change replaces arginine, which is basic and polar, with glycine, which is neutral and non-polar, at codon 784 of the CDH1 protein (p.Arg784Gly). This variant is not present in population databases (gnomAD no frequency). This variant has not been reported in the literature in individuals affected with CDH1-related conditions. ClinVar contains an entry for this variant (Variation ID: 1790000). An algorithm developed to predict the effect of missense changes on protein structure and function (PolyPhen-2) suggests that this variant is likely to be disruptive. In summary, the available evidence is currently insufficient to determine the role of this variant in disease. Therefore, it has been classified as a Variant of Uncertain Significance.

Ambry Genetics
Classification: Uncertain significance for Hereditary cancer-predisposing syndrome. Last evaluated: 2024-05-27. Review status: criteria provided, single submitter. Criteria: Ambry Variant Classification Scheme 2023. Collection method: clinical testing. Allele origin: germline.
Comment: The p.R784G variant (also known as c.2350C>G), located in coding exon 15 of the CDH1 gene, results from a C to G substitution at nucleotide position 2350. The arginine at codon 784 is replaced by glycine, an amino acid with dissimilar properties. This amino acid position is highly conserved in available vertebrate species. In addition, this alteration is predicted to be deleterious by in silico analysis. Based on the available evidence, the clinical significance of this variant remains unclear.

NM_004360.5(CDH1):c.2350C>G (p.Arg784Gly)

Gene: CDH1 (cadherin 1; plus strand). Cytogenetic location: 16q22.1.
Variant type: single nucleotide variant.
Coding change: c.2350C>G on transcript NM_004360.5 (MANE Select); coding-DNA position 2350, C replaced by G.
Protein change: p.Arg784Gly; replaces arginine 784 with glycine.
Molecular consequence: missense variant.
Genome position (GRCh38, 1-based): chr16:68,829,708, C>G. VCF-style: chr16-68829708-C-G. GRCh37 (hg19) VCF-style: chr16-68863611-C-G.
Other names: c.2167C>G, p.Arg723Gly (NM_001317184.2); c.802C>G, p.Arg268Gly (NM_001317185.2); c.385C>G, p.Arg129Gly (NM_001317186.2); short protein forms R129G, R723G, R268G, R784G.
Identifiers: ClinVar variation 1790000 (VCV001790000.8), dbSNP rs775922721, ClinGen allele CA396470999.